The following is an entry in ClinVar:

ClinVar aggregate classification (germline): Pathogenic (1 of 4 stars; one submission).

Conditions:
Congenital disorder of deglycosylation (CDDG). Identifiers: MedGen C3808991, MONDO:0031376.

Submission:

Labcorp Genetics (formerly Invitae), Labcorp
Classification: Pathogenic for Congenital disorder of deglycosylation. Last evaluated: 2023-12-09. Review status: criteria provided, single submitter. Criteria: Invitae Variant Classification Sherloc (09022015). Collection method: clinical testing. Allele origin: germline.
Comment: This sequence change creates a premature translational stop signal (p.Ser546Tyrfs*17) in the NGLY1 gene. It is expected to result in an absent or disrupted protein product. Loss-of-function variants in NGLY1 are known to be pathogenic (PMID: 24651605). This variant is not present in population databases (gnomAD no frequency). This variant has not been reported in the literature in individuals affected with NGLY1-related conditions. Algorithms developed to predict the effect of sequence changes on RNA splicing suggest that this variant may disrupt the consensus splice site. For these reasons, this variant has been classified as Pathogenic.

Literature cited by the submitters: PubMed 24651605.

NM_018297.4(NGLY1):c.1637del (p.Ser546fs)

Gene: NGLY1 (N-glycanase 1; minus strand). Cytogenetic location: 3p24.2.
Variant type: Deletion.
Coding change: c.1637del on transcript NM_018297.4 (MANE Select); coding-DNA position 1637, one base deleted (C; older notation c.1637delC).
Protein change: p.Ser546fs; shifts the reading frame from serine 546.
Molecular consequence: frameshift variant. On other transcripts: intron variant (1).
Genome position (GRCh38, 1-based): chr3:25,720,166, G deleted on the plus strand (C on the coding strand, the reverse complement: NGLY1 is on the minus strand). VCF-style (leftmost placement, unchanged base first): chr3-25720165-TG-T. GRCh37 (hg19) VCF-style: chr3-25761656-TG-T.
Other names: c.1583del, p.Ser528fs (NM_001145293.2); c.1511del, p.Ser504fs (NM_001145294.2); c.1612-531del (NM_001145295.2); short protein forms S546fs, S528fs, S504fs.
Identifiers: ClinVar variation 2701515 (VCV002701515.3), dbSNP rs2470481702, ClinGen allele CA2697550739.